The following is an entry in ClinVar:

NM_000785.4(CYP27B1):c.274G>A (p.Ala92Thr)

Gene: CYP27B1 (cytochrome P450 family 27 subfamily B member 1; minus strand). Cytogenetic location: 12q14.1.
Variant type: single nucleotide variant.
Coding change: c.274G>A on transcript NM_000785.4 (MANE Select); coding-DNA position 274, G replaced by A.
Protein change: p.Ala92Thr; replaces alanine 92 with threonine.
Molecular consequence: missense variant.
Genome position (GRCh38, 1-based): chr12:57,766,119, C>T on the plus strand (G>A on the coding strand, the complement: CYP27B1 is on the minus strand). VCF-style: chr12-57766119-C-T. GRCh37 (hg19) VCF-style: chr12-58159902-C-T.
Other names: short protein forms A92T.
Identifiers: ClinVar variation 2080122 (VCV002080122.2), dbSNP rs958027919, ClinGen allele CA237815690.

ClinVar aggregate classification (germline): Uncertain significance. Review status: criteria provided, multiple submitters, no conflicts (2 of 4 stars). 2 submissions from 2 submitters: Uncertain significance (2). Last evaluated 2024-04-05.

Conditions:
Vitamin D-dependent rickets, type 1A. Also called: VITAMIN D HYDROXYLATION-DEFICIENT RICKETS, TYPE 1A; PDDR IA; PSEUDOVITAMIN D-DEFICIENCY RICKETS, TYPE IA. Identifiers: MedGen CN283242, MONDO:0020723, OMIM 264700.

Allele frequency attached by ClinVar (database versions not stated): TOPMed 0.00001; gnomAD 0.00001; gnomAD exomes 0.00001.

Submissions (2):

Fulgent Genetics
Classification: Uncertain significance for Vitamin D-dependent rickets, type 1A. Last evaluated: 2024-04-05. Review status: criteria provided, single submitter. Criteria: ACMG Guidelines, 2015. Collection method: clinical testing. Allele origin: germline.

Labcorp Genetics (formerly Invitae), Labcorp
Classification: Uncertain significance. Last evaluated: 2022-01-26. Review status: criteria provided, single submitter. Criteria: Invitae Variant Classification Sherloc (09022015). Collection method: clinical testing. Allele origin: germline.
Comment: This sequence change replaces alanine, which is neutral and non-polar, with threonine, which is neutral and polar, at codon 92 of the CYP27B1 protein (p.Ala92Thr). The frequency data for this variant in the population databases is considered unreliable, as metrics indicate poor data quality at this position in the gnomAD database. This variant has not been reported in the literature in individuals affected with CYP27B1-related conditions. Advanced modeling of protein sequence and biophysical properties (such as structural, functional, and spatial information, amino acid conservation, physicochemical variation, residue mobility, and thermodynamic stability) performed at Invitae indicates that this missense variant is not expected to disrupt CYP27B1 protein function. In summary, the available evidence is currently insufficient to determine the role of this variant in disease. Therefore, it has been classified as a Variant of Uncertain Significance.